The following is an entry in ClinVar:

ClinVar aggregate classification (germline): Uncertain significance. Review status: criteria provided, multiple submitters, no conflicts (2 of 4 stars). 2 submissions from 2 submitters: Uncertain significance (2). Last evaluated 2023-08-10.

Conditions:
Joubert syndrome 17 (JBTS17). Identifiers: Orphanet 475, MedGen C3553264, MONDO:0013824, OMIM 614615.

Allele frequency attached by ClinVar (database versions not stated): TOPMed 0.00002; ExAC 0.00004; gnomAD exomes 0.00004; 1000 Genomes Project 30x 0.00016; 1000 Genomes Project 0.00020.

Submissions (2):

Labcorp Genetics (formerly Invitae), Labcorp
Classification: Uncertain significance. Last evaluated: 2023-08-10. Review status: criteria provided, single submitter. Criteria: Invitae Variant Classification Sherloc (09022015). Collection method: clinical testing. Allele origin: germline.
Comment: ClinVar contains an entry for this variant (Variation ID: 906960). In summary, the available evidence is currently insufficient to determine the role of this variant in disease. Therefore, it has been classified as a Variant of Uncertain Significance. Advanced modeling of protein sequence and biophysical properties (such as structural, functional, and spatial information, amino acid conservation, physicochemical variation, residue mobility, and thermodynamic stability) performed at Invitae indicates that this missense variant is not expected to disrupt CPLANE1 protein function. This variant has not been reported in the literature in individuals affected with CPLANE1-related conditions. This variant is present in population databases (rs146808769, gnomAD 0.05%). This sequence change replaces isoleucine, which is neutral and non-polar, with valine, which is neutral and non-polar, at codon 1352 of the CPLANE1 protein (p.Ile1352Val).

Illumina Laboratory Services, Illumina
Classification: Uncertain significance for Joubert syndrome 17. Last evaluated: 2018-01-13. Review status: criteria provided, single submitter. Criteria: ICSL Variant Classification Criteria 13 December 2019. Collection method: clinical testing. Allele origin: germline.

NM_001384732.1(CPLANE1):c.4054A>G (p.Ile1352Val)

Gene: CPLANE1 (ciliogenesis and planar polarity effector complex subunit 1; minus strand). Cytogenetic location: 5p13.2.
Variant type: single nucleotide variant.
Coding change: c.4054A>G on transcript NM_001384732.1 (MANE Select); coding-DNA position 4054, A replaced by G.
Protein change: p.Ile1352Val; replaces isoleucine 1352 with valine.
Molecular consequence: missense variant.
Genome position (GRCh38, 1-based): chr5:37,187,440, T>C on the plus strand (A>G on the coding strand, the complement: CPLANE1 is on the minus strand). VCF-style: chr5-37187440-T-C. GRCh37 (hg19) VCF-style: chr5-37187542-T-C.
Other names: c.4054A>G, p.Ile1352Val (NM_023073.4); short protein forms I1352V.
Identifiers: ClinVar variation 906960 (VCV000906960.7), dbSNP rs146808769, ClinGen allele CA3238805.
Genomic context (GRCh38, chr5:37,187,440, plus strand): 5'-TGATGTAGTTTACTTTCACCTACAAGCACATTACCTTTCTGATTGGTGGCAGTTCTCCAA[T>C]AAGGCTCAAAATTATATCCTGAATAAGTTCTTCCATATTAAAAAACCGAGAGAAAGGCAG-3'
Protein context (NP_001371661.1, residues 1342-1362): ELIQDIILSL[Ile1352Val]GELPPIRKVA